The following is an entry in ClinVar:

NM_022168.4(IFIH1):c.2815T>G (p.Tyr939Asp)

Gene: IFIH1 (interferon induced with helicase C domain 1; minus strand). Cytogenetic location: 2q24.2.
Variant type: single nucleotide variant.
Coding change: c.2815T>G on transcript NM_022168.4 (MANE Select); coding-DNA position 2815, T replaced by G.
Protein change: p.Tyr939Asp; replaces tyrosine 939 with aspartic acid.
Molecular consequence: missense variant.
Genome position (GRCh38, 1-based): chr2:162,267,562, A>C on the plus strand (T>G on the coding strand, the complement: IFIH1 is on the minus strand). VCF-style: chr2-162267562-A-C. GRCh37 (hg19) VCF-style: chr2-163124072-A-C.
Other names: short protein forms Y939D.
Identifiers: ClinVar variation 3758984 (VCV003758984.2).

ClinVar aggregate classification (germline): Uncertain significance (1 of 4 stars; one submission).

Conditions:
Singleton-Merten syndrome 1 (SGMRT1). Also called: Widened medullary cavities of bone, aortic calcification, abnormal dentition, and muscular weakness; Syndrome of widened medullary cavities of the metacarpals and phalanges, aortic calcification and abnormal dentition. Identifiers: Orphanet 85191, MedGen C4225427, MONDO:0024535, OMIM 182250.
Aicardi-Goutieres syndrome 7 (AGS7). Identifiers: Orphanet 51, MedGen C3888244, MONDO:0014367, OMIM 615846.

gnomAD v4.1: 7 of 1,602,192 alleles (0.00044%); highest among the groups gnomAD compares: Non-Finnish European, 0.0006%; no homozygotes.

Submission:

Labcorp Genetics (formerly Invitae), Labcorp
Classification: Uncertain significance for Aicardi-Goutieres syndrome 7; Singleton-Merten syndrome 1. Last evaluated: 2025-08-14. Review status: criteria provided, single submitter. Criteria: Invitae Variant Classification Sherloc (09022015). Collection method: clinical testing. Allele origin: germline.
Comment: This sequence change replaces tyrosine, which is neutral and polar, with aspartic acid, which is acidic and polar, at codon 939 of the IFIH1 protein (p.Tyr939Asp). This variant is present in population databases (no rsID available, gnomAD no frequency). This variant has not been reported in the literature in individuals affected with IFIH1-related conditions. ClinVar contains an entry for this variant (Variation ID: 3758984). Invitae Evidence Modeling of protein sequence and biophysical properties (such as structural, functional, and spatial information, amino acid conservation, physicochemical variation, residue mobility, and thermodynamic stability) has been performed for this missense variant. However, the output from this modeling did not meet the statistical confidence thresholds required to predict the impact of this variant on IFIH1 protein function. In summary, the available evidence is currently insufficient to determine the role of this variant in disease. Therefore, it has been classified as a Variant of Uncertain Significance.